The following is an entry in ClinVar:

NM_207411.5(XKR5):c.1149C>T (p.Val383=)

Gene: XKR5 (XK related 5; minus strand). Cytogenetic location: 8p23.1.
Variant type: single nucleotide variant.
Coding change: c.1149C>T on transcript NM_207411.5 (MANE Select); coding-DNA position 1149, C replaced by T.
Protein change: p.Val383=; no amino-acid change (valine 383 retained).
Molecular consequence: synonymous variant.
Genome position (GRCh38, 1-based): chr8:6,812,110, G>A on the plus strand (C>T on the coding strand, the complement: XKR5 is on the minus strand). VCF-style: chr8-6812110-G-A. GRCh37 (hg19) VCF-style: chr8-6669631-G-A.
Other names: c.660C>T, p.Val220= (NM_001289973.2).
Identifiers: ClinVar variation 2658352 (VCV002658352.24), dbSNP rs28432964, ClinGen allele CA4612304.

ClinVar aggregate classification (germline): Likely benign (1 of 4 stars; one submission).

Allele frequency attached by ClinVar (database versions not stated): 1000 Genomes Project 30x 0.00359.
gnomAD v4.1: 2,242 of 1,546,518 alleles (0.14%); highest among the groups gnomAD compares: African/African-American, 0.91%; 5 homozygotes.

Submission:

CeGaT Center for Human Genetics Tuebingen
Classification: Likely benign. Last evaluated: 2023-04-01. Review status: criteria provided, single submitter. Criteria: CeGaT Center For Human Genetics Tuebingen Variant Classification Criteria Version 2. Collection method: clinical testing. Allele origin: germline. Affected: yes. Observed: 1 variant allele.
Comment: XKR5: BP4, BP7, BS2